The following is an entry in ClinVar:

ClinVar aggregate classification (germline): Uncertain significance (1 of 4 stars; one submission).

Allele frequency attached by ClinVar (database versions not stated): gnomAD exomes below 0.00001; gnomAD 0.00001; 1000 Genomes Project 30x 0.00016.
gnomAD v4.1: 10 of 1,613,704 alleles (0.00062%); highest among the groups gnomAD compares: South Asian, 0.011%; no homozygotes.

Submission:

Labcorp Genetics (formerly Invitae), Labcorp
Classification: Uncertain significance. Last evaluated: 2021-01-06. Review status: criteria provided, single submitter. Criteria: Invitae Variant Classification Sherloc (09022015). Collection method: clinical testing. Allele origin: germline.
Comment: This variant has not been reported in the literature in individuals with MMP13-related conditions. This sequence change replaces proline with serine at codon 275 of the MMP13 protein (p.Pro275Ser). The proline residue is moderately conserved and there is a moderate physicochemical difference between proline and serine. This variant is not present in population databases (ExAC no frequency). Algorithms developed to predict the effect of missense changes on protein structure and function output the following: SIFT: "Tolerated"; PolyPhen-2: "Benign"; Align-GVGD: "Class C0". The serine amino acid residue is found in multiple mammalian species, suggesting that this missense change does not adversely affect protein function. These predictions have not been confirmed by published functional studies and their clinical significance is uncertain. In summary, the available evidence is currently insufficient to determine the role of this variant in disease. Therefore, it has been classified as a Variant of Uncertain Significance.

NM_002427.4(MMP13):c.823C>T (p.Pro275Ser)

Gene: MMP13 (matrix metallopeptidase 13; minus strand). Cytogenetic location: 11q22.2.
Variant type: single nucleotide variant.
Coding change: c.823C>T on transcript NM_002427.4 (MANE Select); coding-DNA position 823, C replaced by T.
Protein change: p.Pro275Ser; replaces proline 275 with serine.
Molecular consequence: missense variant.
Genome position (GRCh38, 1-based): chr11:102,950,204, G>A on the plus strand (C>T on the coding strand, the complement: MMP13 is on the minus strand). VCF-style: chr11-102950204-G-A. GRCh37 (hg19) VCF-style: chr11-102820933-G-A.
Other names: short protein forms P275S.
Identifiers: ClinVar variation 1434671 (VCV001434671.8), dbSNP rs1555017159, ClinGen allele CA382228464.
Genomic context (GRCh38, chr11:102,950,204, plus strand): 5'-TGGTAATGGCATCAAGGGATAAGGAAGGGTCACATTTGTCTGGCGTTTTTGGATGTTTAG[G>A]GTTGGGGTCTTCATCTCCTGGACCTGTAGTCGTGAAAGGCAAGAGAGAAGTTATGAGTGT-3'
Protein context (NP_002418.1, residues 265-285): LYGPGDEDPN[Pro275Ser]KHPKTPDKCD